The following is an entry in ClinVar:

ClinVar aggregate classification (germline): Uncertain significance. Review status: criteria provided, multiple submitters, no conflicts (2 of 4 stars). 3 submissions from 3 submitters: Uncertain significance (3). Last evaluated 2022-06-21.

Conditions:
Charcot-Marie-Tooth disease type 4. Also called: Charcot-Marie-Tooth disease, type IV; Charcot-Marie-Tooth, Type 4. Identifiers: Orphanet 64749, MedGen C4082197, MONDO:0018995.
Inborn genetic diseases. Identifiers: MedGen C0950123, MeSH D030342.

Allele frequency attached by ClinVar (database versions not stated): gnomAD 0.00001; gnomAD exomes 0.00001 and 0.00002; ExAC 0.00002; TOPMed 0.00002.

Submissions (3):

Labcorp Genetics (formerly Invitae), Labcorp
Classification: Uncertain significance for Charcot-Marie-Tooth disease type 4. Last evaluated: 2022-06-21. Review status: criteria provided, single submitter. Criteria: Invitae Variant Classification Sherloc (09022015). Collection method: clinical testing. Allele origin: germline.
Comment: This sequence change replaces glutamic acid, which is acidic and polar, with glycine, which is neutral and non-polar, at codon 212 of the SH3TC2 protein (p.Glu212Gly). This variant is present in population databases (rs774120657, gnomAD 0.006%). This variant has not been reported in the literature in individuals affected with SH3TC2-related conditions. ClinVar contains an entry for this variant (Variation ID: 245735). Advanced modeling of protein sequence and biophysical properties (such as structural, functional, and spatial information, amino acid conservation, physicochemical variation, residue mobility, and thermodynamic stability) performed at Invitae indicates that this missense variant is not expected to disrupt SH3TC2 protein function. In summary, the available evidence is currently insufficient to determine the role of this variant in disease. Therefore, it has been classified as a Variant of Uncertain Significance.

Ambry Genetics
Classification: Uncertain significance for Inborn genetic diseases. Last evaluated: 2021-08-04. Review status: criteria provided, single submitter. Criteria: Ambry Variant Classification Scheme 2023. Collection method: clinical testing. Allele origin: germline.
Comment: The p.E212G variant (also known as c.635A>G), located in coding exon 6 of the SH3TC2 gene, results from an A to G substitution at nucleotide position 635. The glutamic acid at codon 212 is replaced by glycine, an amino acid with similar properties. This amino acid position is conserved. In addition, this alteration is predicted to be tolerated by in silico analysis. Since supporting evidence is limited at this time, the clinical significance of this alteration remains unclear.

GeneDx
Classification: Uncertain significance. Last evaluated: 2015-04-21. Review status: criteria provided, single submitter. Criteria: GeneDx Variant Classification (06012015). Collection method: clinical testing. Allele origin: germline. Affected: yes.
Comment: The E212G variant has not been published as pathogenic, nor has it been reported as a benign polymorphism to our knowledge. It was not observed in approximately 6,500 individuals of European and African American ancestry in the NHLBI Exome Sequencing Project, indicating it is not a common benign variant in these populations. The E212G variant is a non-conservative amino acid substitution, which is likely to impact secondary protein structure as these residues differ in polarity, charge, size and/or other properties. However, this substitution occurs at a position that is not conserved across species, and in silico analysis predicts this variant likely does not alter the protein structure/function. Therefore, based on the currently available information, it is unclear whether this variant is a pathogenic or a rare benign variant.

NM_024577.4(SH3TC2):c.635A>G (p.Glu212Gly)

Gene: SH3TC2 (SH3 domain and tetratricopeptide repeats 2; minus strand). Cytogenetic location: 5q32.
Variant type: single nucleotide variant.
Coding change: c.635A>G on transcript NM_024577.4 (MANE Select); coding-DNA position 635, A replaced by G.
Protein change: p.Glu212Gly; replaces glutamic acid 212 with glycine.
Molecular consequence: missense variant.
Genome position (GRCh38, 1-based): chr5:149,041,512, T>C on the plus strand (A>G on the coding strand, the complement: SH3TC2 is on the minus strand). VCF-style: chr5-149041512-T-C. GRCh37 (hg19) VCF-style: chr5-148421075-T-C.
Other names: short protein forms E212G.
Identifiers: ClinVar variation 245735 (VCV000245735.9), dbSNP rs774120657, ClinGen allele CA3499444.